The following is an entry in ClinVar:

ClinVar aggregate classification (germline): Uncertain significance (1 of 4 stars; one submission).

Conditions:
Sulfite oxidase deficiency due to molybdenum cofactor deficiency type A. Also called: Molybdenum cofactor deficiency, complementation group A; Molybdenum Cofactor Deficiency A. Identifiers: Orphanet 308386, Orphanet 833, MedGen C1854988, MONDO:0009643, OMIM 252150.

Submission:

Labcorp Genetics (formerly Invitae), Labcorp
Classification: Uncertain significance for Sulfite oxidase deficiency due to molybdenum cofactor deficiency type A. Last evaluated: 2022-11-08. Review status: criteria provided, single submitter. Criteria: Invitae Variant Classification Sherloc (09022015). Collection method: clinical testing. Allele origin: germline.
Comment: In summary, the available evidence is currently insufficient to determine the role of this variant in disease. Therefore, it has been classified as a Variant of Uncertain Significance. Algorithms developed to predict the effect of missense changes on protein structure and function are either unavailable or do not agree on the potential impact of this missense change (SIFT: "Not Available"; PolyPhen-2: "Possibly Damaging"; Align-GVGD: "Not Available"). ClinVar contains an entry for this variant (Variation ID: 1348798). This variant has not been reported in the literature in individuals affected with MOCS1-related conditions. This variant is not present in population databases (gnomAD no frequency). This sequence change replaces lysine, which is basic and polar, with glutamine, which is neutral and polar, at codon 255 of the MOCS1 protein (p.Lys255Gln).

NM_001358530.2(MOCS1):c.763A>C (p.Lys255Gln)

Gene: MOCS1 (molybdenum cofactor synthesis 1; minus strand). Cytogenetic location: 6p21.2.
Variant type: single nucleotide variant.
Coding change: c.763A>C on transcript NM_001358530.2 (MANE Select); coding-DNA position 763, A replaced by C.
Protein change: p.Lys255Gln; replaces lysine 255 with glutamine.
Molecular consequence: missense variant. On other transcripts: non-coding transcript variant (1).
Genome position (GRCh38, 1-based): chr6:39,912,999, T>G on the plus strand (A>C on the coding strand, the complement: MOCS1 is on the minus strand). VCF-style: chr6-39912999-T-G. GRCh37 (hg19) VCF-style: chr6-39880743-T-G.
Other names: c.763A>C, p.Lys255Gln (NM_001075098.4, NM_001358529.2, NM_005943.6); c.502A>C, p.Lys168Gln (NM_001358531.2, NM_001358533.2, NM_001358534.2); short protein forms K255Q, K168Q.
Identifiers: ClinVar variation 1348798 (VCV001348798.4), dbSNP rs2149403668, ClinGen allele CA364043811.